The following is an entry in ClinVar:

NM_004722.4(AP4M1):c.504T>G (p.Ser168Arg)

Gene: AP4M1 (adaptor related protein complex 4 subunit mu 1; plus strand). Cytogenetic location: 7q22.1.
Variant type: single nucleotide variant.
Coding change: c.504T>G on transcript NM_004722.4 (MANE Select); coding-DNA position 504, T replaced by G.
Protein change: p.Ser168Arg; replaces serine 168 with arginine.
Molecular consequence: missense variant.
Genome position (GRCh38, 1-based): chr7:100,103,653, T>G. VCF-style: chr7-100103653-T-G. GRCh37 (hg19) VCF-style: chr7-99701276-T-G.
Other names: p.Ser168Arg; c.525T>G, p.Ser175Arg (NM_001363671.2); short protein forms S168R, S175R.
Identifiers: ClinVar variation 2682986 (VCV002682986.1), dbSNP rs758037075, ClinGen allele CA4374641.

ClinVar aggregate classification (germline): Uncertain significance (1 of 4 stars; one submission).

Allele frequency attached by ClinVar (database versions not stated): TOPMed below 0.00001; ExAC 0.00001; gnomAD 0.00001; gnomAD exomes 0.00002.
gnomAD v4.1: 27 of 1,613,356 alleles (0.0017%); highest among the groups gnomAD compares: Non-Finnish European, 0.0022%; no homozygotes.

Submission:

Mayo Clinic Laboratories, Mayo Clinic
Classification: Uncertain significance. Last evaluated: 2022-02-11. Review status: criteria provided, single submitter. Criteria: ACMG Guidelines, 2015. Collection method: clinical testing. Allele origin: germline. Observed: 1 variant allele.
Comment: PM2